The following is an entry in ClinVar:

ClinVar aggregate classification (germline): Benign/Likely benign. Review status: criteria provided, multiple submitters, no conflicts (2 of 4 stars). 2 submissions from 2 submitters: Benign (1); Likely benign (1). Last evaluated 2024-08-08.

Conditions:
Juvenile polyposis syndrome (JPS). Identifiers: Orphanet 2929, MedGen C0345893, MONDO:0017380, OMIM 174900.
Hereditary cancer-predisposing syndrome. Also called: Tumor predisposition; Neoplastic Syndromes, Hereditary; Hereditary Cancer Syndrome; Hereditary neoplastic syndrome. Identifiers: Orphanet 140162, MedGen C0027672, MeSH D009386, MONDO:0015356.

Submissions (2):

Myriad Genetics, Inc.
Classification: Benign for Juvenile polyposis syndrome. Last evaluated: 2024-08-08. Review status: criteria provided, single submitter. Criteria: Myriad Autosomal Dominant, Autosomal Recessive and X-Linked Classification Criteria (2023). Collection method: clinical testing. Allele origin: unknown.
Comment: This variant is considered benign. This variant is a silent/synonymous amino acid change and it is not expected to impact splicing.

Ambry Genetics
Classification: Likely benign for Hereditary cancer-predisposing syndrome. Last evaluated: 2021-12-20. Review status: criteria provided, single submitter. Criteria: Ambry Variant Classification Scheme 2023. Collection method: clinical testing. Allele origin: germline.

NM_004329.3(BMPR1A):c.1464C>T (p.Asn488=)

Gene: BMPR1A (bone morphogenetic protein receptor type 1A; plus strand). Cytogenetic location: 10q23.2.
Variant type: single nucleotide variant.
Coding change: c.1464C>T on transcript NM_004329.3 (MANE Select); coding-DNA position 1464, C replaced by T.
Protein change: p.Asn488=; no amino-acid change (asparagine 488 retained).
Molecular consequence: synonymous variant. On other transcripts: non-coding transcript variant (3).
Genome position (GRCh38, 1-based): chr10:86,923,497, C>T. VCF-style: chr10-86923497-C-T. GRCh37 (hg19) VCF-style: chr10-88683254-C-T.
Other names: c.1539C>T, p.Asn513= (NM_001406559.1); c.1512C>T, p.Asn504= (NM_001406560.1); c.1464C>T, p.Asn488= (NM_001406561.1, NM_001406562.1, NM_001406563.1 and 19 more transcripts); c.1458C>T, p.Asn486= (NM_001406583.1); c.1380C>T, p.Asn460= (NM_001406584.1, NM_001406585.1, NM_001406586.1 and 2 more transcripts); c.1122C>T, p.Asn374= (NM_001406589.1).
Identifiers: ClinVar variation 1773216 (VCV001773216.3), dbSNP rs2133622374, ClinGen allele CA470308658.
Genomic context (GRCh38, chr10:86,923,497, plus strand): 5'-AGATATGCGTGAGGTTGTGTGTGTCAAACGTTTGCGGCCAATTGTGTCTAATCGGTGGAA[C>T]AGTGATGAAGTGAGTGGAACTCAGTCCCCTGAAGAAGTGATTCGTAAATGCCACCAAATA-3'
Protein context (NP_004320.2, residues 478-498): RLRPIVSNRW[Asn488=]SDECLRAVLK